The following is an entry in ClinVar:

NM_000090.4(COL3A1):c.2993A>T (p.Gln998Leu)

Gene: COL3A1 (collagen type III alpha 1 chain; plus strand). Cytogenetic location: 2q32.2.
Variant type: single nucleotide variant.
Coding change: c.2993A>T on transcript NM_000090.4 (MANE Select); coding-DNA position 2993, A replaced by T.
Protein change: p.Gln998Leu; replaces glutamine 998 with leucine.
Molecular consequence: missense variant.
Genome position (GRCh38, 1-based): chr2:189,005,411, A>T. VCF-style: chr2-189005411-A-T. GRCh37 (hg19) VCF-style: chr2-189870137-A-T.
Other names: short protein forms Q998L.
Identifiers: ClinVar variation 636439 (VCV000636439.7), dbSNP rs139859476, ClinGen allele CA62558451.

ClinVar aggregate classification (germline): Uncertain significance. Review status: criteria provided, multiple submitters, no conflicts (2 of 4 stars). 4 submissions from 4 submitters: Uncertain significance (4). Last evaluated 2026-08-16.

Conditions:
Familial thoracic aortic aneurysm and aortic dissection (TAAD). Also called: Thoracic aortic aneurysms and dissections. Identifiers: Orphanet 91387, MedGen C4707243, MONDO:0019625.
Ehlers-Danlos syndrome, type 4 (EDSVASC). Also called: Ehlers-Danlos syndrome vascular type; Ehlers Danlos syndrome, ecchymotic type; Ehlers Danlos syndrome, arterial type; Ehlers Danlos syndrome, Sack-Barabas type; Ehlers-Danlos Syndrome Type IV. Identifiers: Orphanet 286, MedGen C0268338, MONDO:0017314, OMIM 130050.

Allele frequency attached by ClinVar (database versions not stated): TOPMed below 0.00001; ESP Exome Variant Server 0.00008.

Submissions (4):

Ambry Genetics
Classification: Uncertain significance for Familial thoracic aortic aneurysm and aortic dissection. Last evaluated: 2026-08-16. Review status: criteria provided, single submitter. Criteria: Ambry Variant Classification Scheme 2023. Collection method: clinical testing. Allele origin: germline.
Comment: The p.Q998L variant (also known as c.2993A>T), located in coding exon 41 of the COL3A1 gene, results from an A to T substitution at nucleotide position 2993. The glutamine at codon 998 is replaced by leucine, an amino acid with dissimilar properties. This amino acid position is conserved. In addition, the in silico prediction for this alteration is inconclusive. Based on the available evidence, the clinical significance of this variant remains unclear.

Labcorp Genetics (formerly Invitae), Labcorp
Classification: Uncertain significance for Ehlers-Danlos syndrome, type 4. Last evaluated: 2025-10-13. Review status: criteria provided, single submitter. Criteria: Invitae Variant Classification Sherloc (09022015). Collection method: clinical testing. Allele origin: germline.
Comment: This sequence change replaces glutamine, which is neutral and polar, with leucine, which is neutral and non-polar, at codon 998 of the COL3A1 protein (p.Gln998Leu). This variant is not present in population databases (gnomAD no frequency). This variant has not been reported in the literature in individuals affected with COL3A1-related conditions. ClinVar contains an entry for this variant (Variation ID: 636439). Invitae Evidence Modeling of protein sequence and biophysical properties (such as structural, functional, and spatial information, amino acid conservation, physicochemical variation, residue mobility, and thermodynamic stability) indicates that this missense variant is not expected to disrupt COL3A1 protein function with a negative predictive value of 95%. In summary, the available evidence is currently insufficient to determine the role of this variant in disease. Therefore, it has been classified as a Variant of Uncertain Significance.

GeneDx
Classification: Uncertain significance. Last evaluated: 2023-01-23. Review status: criteria provided, single submitter. Criteria: GeneDx Variant Classification Process June 2021. Collection method: clinical testing. Allele origin: germline. Affected: yes.
Comment: Has not been previously published as pathogenic or benign to our knowledge; Not observed at significant frequency in large population cohorts (gnomAD); In silico analysis supports that this missense variant does not alter protein structure/function; Occurs in the triple helical domain at the Y position in the canonical Gly-X-Y repeat; although this variant may have an effect on normal protein folding and function, missense substitution at the Y position is not a common mechanism of disease (HGMD)

Blueprint Genetics
Classification: Uncertain significance. Last evaluated: 2017-06-30. Review status: criteria provided, single submitter. Criteria: ACMG Guidelines, 2015. Collection method: clinical testing. Allele origin: germline.